The following is an entry in ClinVar:

NM_006017.3(PROM1):c.2130G>A (p.Leu710=)

Gene: PROM1 (prominin 1; minus strand). Cytogenetic location: 4p15.32.
Variant type: single nucleotide variant.
Coding change: c.2130G>A on transcript NM_006017.3 (MANE Select); coding-DNA position 2130, G replaced by A.
Protein change: p.Leu710=; no amino-acid change (leucine 710 retained).
Molecular consequence: synonymous variant.
Genome position (GRCh38, 1-based): chr4:15,987,663, C>T on the plus strand (G>A on the coding strand, the complement: PROM1 is on the minus strand). VCF-style: chr4-15987663-C-T. GRCh37 (hg19) VCF-style: chr4-15989286-C-T.
Other names: c.2103G>A, p.Leu701= (NM_001145847.2, NM_001145848.2, NM_001145851.2 and 4 more transcripts); c.2130G>A, p.Leu710= (NM_001145849.2, NM_001145850.2).
Identifiers: ClinVar variation 1505151 (VCV001505151.7), dbSNP rs1490681961, ClinGen allele CA438382230.
Genomic context (GRCh38, chr4:15,987,663, plus strand): 5'-CATTCTTTGTGTGGTATTTTATAACAAAACCCCATGACAGAAAACAAAGTAAACCCTTAC[C>T]AACAATCCATTCCCTGTGCGTTGAAGTATCTTGACGCTTTGGTATAGAGTGCTCTGGCAA-3'
Protein context (NP_006008.1, residues 700-720): KILQRTGNGL[Leu710=]ERVTRILASL

ClinVar aggregate classification (germline): Uncertain significance. Review status: criteria provided, multiple submitters, no conflicts (2 of 4 stars). 2 submissions from 2 submitters: Uncertain significance (2). Last evaluated 2022-09-08.

Allele frequency attached by ClinVar (database versions not stated): TOPMed 0.00001.
gnomAD v4.1: 2 of 1,609,568 alleles (0.00012%); highest among the groups gnomAD compares: Admixed American, 0.0034%; no homozygotes.

Submissions (2):

Blueprint Genetics
Classification: Uncertain significance. Last evaluated: 2022-09-08. Review status: criteria provided, single submitter. Criteria: ACMG Guidelines, 2015. Collection method: clinical testing. Allele origin: germline.

Labcorp Genetics (formerly Invitae), Labcorp
Classification: Uncertain significance. Last evaluated: 2022-09-07. Review status: criteria provided, single submitter. Criteria: Invitae Variant Classification Sherloc (09022015). Collection method: clinical testing. Allele origin: germline.
Comment: In summary, the available evidence is currently insufficient to determine the role of this variant in disease. Therefore, it has been classified as a Variant of Uncertain Significance. Variants that disrupt the consensus splice site are a relatively common cause of aberrant splicing (PMID: 17576681, 9536098). Algorithms developed to predict the effect of sequence changes on RNA splicing suggest that this variant may disrupt the consensus splice site. ClinVar contains an entry for this variant (Variation ID: 1505151). This variant has been observed in individual(s) with clinical features of retinitis pigmentosa (Invitae). This variant is present in population databases (no rsID available, gnomAD 0.003%). This sequence change affects codon 710 of the PROM1 mRNA. It is a 'silent' change, meaning that it does not change the encoded amino acid sequence of the PROM1 protein. This variant also falls at the last nucleotide of exon 19, which is part of the consensus splice site for this exon.

Literature cited by the submitters: PubMed 17576681 (cited by Labcorp Genetics (formerly Invitae), Labcorp); PubMed 9536098 (cited by Labcorp Genetics (formerly Invitae), Labcorp).